The following is an entry in ClinVar:

ClinVar aggregate classification (germline): Uncertain significance (1 of 4 stars; one submission).

Conditions:
Long QT syndrome (LQTS). Identifiers: MedGen C0023976, MeSH D008133, MONDO:0002442. Disease mechanism: loss of function. Inheritance: Various modes of inheritance.

Submission:

Labcorp Genetics (formerly Invitae), Labcorp
Classification: Uncertain significance for Long QT syndrome. Last evaluated: 2022-06-02. Review status: criteria provided, single submitter. Criteria: Invitae Variant Classification Sherloc (09022015). Collection method: clinical testing. Allele origin: germline.
Comment: In summary, the available evidence is currently insufficient to determine the role of this variant in disease. Therefore, it has been classified as a Variant of Uncertain Significance. Algorithms developed to predict the effect of missense changes on protein structure and function output the following: SIFT: "Tolerated"; PolyPhen-2: "Benign"; Align-GVGD: "Class C0". The glutamic acid amino acid residue is found in multiple mammalian species, which suggests that this missense change does not adversely affect protein function. This variant has not been reported in the literature in individuals affected with ANK2-related conditions. This variant is not present in population databases (gnomAD no frequency). This sequence change replaces lysine, which is basic and polar, with glutamic acid, which is acidic and polar, at codon 2984 of the ANK2 protein (p.Lys2984Glu).

NM_001148.6(ANK2):c.8950A>G (p.Lys2984Glu)

Gene: ANK2 (ankyrin 2; plus strand). Cytogenetic location: 4q26.
Variant type: single nucleotide variant.
Coding change: c.8950A>G on transcript NM_001148.6 (MANE Select); coding-DNA position 8950, A replaced by G.
Protein change: p.Lys2984Glu; replaces lysine 2984 with glutamic acid.
Molecular consequence: missense variant. On other transcripts: intron variant (68).
Genome position (GRCh38, 1-based): chr4:113,357,568, A>G. VCF-style: chr4-113357568-A-G. GRCh37 (hg19) VCF-style: chr4-114278724-A-G.
Other names: c.4361-3255A>G (NM_001386161.1, NM_001354244.2, NM_001354256.2); c.4286-3255A>G (NM_001354261.2); c.4166-3255A>G (NM_001386156.1, NM_001354257.2); c.4262-3255A>G (NM_001354264.2); c.4241-3255A>G (NM_001354267.2, NM_001386162.1, NM_001354249.2 and 2 more transcripts); c.4142-3255A>G (NM_001354271.2, NM_001386151.1, NM_001354260.2); c.3944-3255A>G (NM_001386158.1); c.4472-3255A>G (NM_001354241.2, NM_001386144.1, NM_001354240.2); and 35 more; short protein forms K2984E, K3023E, K1784E, K2906E, K3031E.
Identifiers: ClinVar variation 2119204 (VCV002119204.4), dbSNP rs2505909873, ClinGen allele CA357935963.